The following is an entry in ClinVar:

NM_002691.4(POLD1):c.1612G>A (p.Val538Ile)

Gene: POLD1 (DNA polymerase delta 1, catalytic subunit; plus strand). Cytogenetic location: 19q13.33.
Variant type: single nucleotide variant.
Coding change: c.1612G>A on transcript NM_002691.4 (MANE Select); coding-DNA position 1612, G replaced by A.
Protein change: p.Val538Ile; replaces valine 538 with isoleucine.
Molecular consequence: missense variant. On other transcripts: non-coding transcript variant (1).
Genome position (GRCh38, 1-based): chr19:50,407,100, G>A. VCF-style: chr19-50407100-G-A. GRCh37 (hg19) VCF-style: chr19-50910357-G-A.
Other names: c.1612G>A, p.Val538Ile (NM_001256849.1, NM_001308632.1); short protein forms V538I.
Identifiers: ClinVar variation 1025450 (VCV001025450.8), dbSNP rs2038920752, ClinGen allele CA406980972.

ClinVar aggregate classification (germline): Uncertain significance (1 of 4 stars; one submission).

Conditions:
POLD1-related polyposis and colorectal cancer syndrome (CRCS10). Also called: Colorectal cancer 10; COLORECTAL CANCER, SUSCEPTIBILITY TO, ON CHROMOSOME 19q; Colorectal cancer, susceptibility to, 10. Identifiers: Orphanet 220460, MedGen C2675481, MONDO:0012953, OMIM 612591.

Submission:

Labcorp Genetics (formerly Invitae), Labcorp
Classification: Uncertain significance for POLD1-related polyposis and colorectal cancer syndrome. Last evaluated: 2024-06-12. Review status: criteria provided, single submitter. Criteria: Invitae Variant Classification Sherloc (09022015). Collection method: clinical testing. Allele origin: germline.
Comment: This sequence change replaces valine, which is neutral and non-polar, with isoleucine, which is neutral and non-polar, at codon 538 of the POLD1 protein (p.Val538Ile). This variant is not present in population databases (gnomAD no frequency). This variant has not been reported in the literature in individuals affected with POLD1-related conditions. ClinVar contains an entry for this variant (Variation ID: 1025450). Advanced modeling of protein sequence and biophysical properties (such as structural, functional, and spatial information, amino acid conservation, physicochemical variation, residue mobility, and thermodynamic stability) performed at Invitae indicates that this missense variant is not expected to disrupt POLD1 protein function with a negative predictive value of 80%. In summary, the available evidence is currently insufficient to determine the role of this variant in disease. Therefore, it has been classified as a Variant of Uncertain Significance.